The following is an entry in ClinVar:

ClinVar aggregate classification (germline): Benign/Likely benign. Review status: criteria provided, multiple submitters, no conflicts (2 of 4 stars). 6 submissions from 6 submitters: Benign (1); Likely benign (4). 1 of the submissions does not count toward it. Last evaluated 2025-12-21.

Conditions:
Hereditary cancer-predisposing syndrome. Also called: Neoplastic Syndromes, Hereditary; Hereditary Cancer Syndrome; Tumor predisposition; Hereditary neoplastic syndrome. Identifiers: Orphanet 140162, MedGen C0027672, MeSH D009386, MONDO:0015356.
Birt-Hogg-Dube syndrome. Also called: Birt Hogg Dubé syndrome. Identifiers: Orphanet 122, MedGen C0346010, MONDO:0800444.
Birt-Hogg-Dube syndrome 1 (BHD1). Also called: FIBROFOLLICULOMAS WITH TRICHODISCOMAS AND ACROCHORDONS. Identifiers: Orphanet 122, MedGen CN375946, MONDO:0800445, OMIM 135150.
FLCN-related disorder. Also called: FLCN-related condition.

Allele frequency attached by ClinVar (database versions not stated): ExAC 0.00001; TOPMed 0.00001; gnomAD exomes 0.00003.
gnomAD v4.1: 35 of 1,605,566 alleles (0.0022%); highest among the groups gnomAD compares: African/African-American, 0.004%; no homozygotes.

Submissions (6):

Labcorp Genetics (formerly Invitae), Labcorp
Classification: Likely benign for Birt-Hogg-Dube syndrome. Last evaluated: 2025-12-21. Review status: criteria provided, single submitter. Criteria: Invitae Variant Classification Sherloc (09022015). Collection method: clinical testing. Allele origin: germline.

Center for Genomic Medicine, Rigshospitalet, Copenhagen University Hospital
Classification: Likely benign. Last evaluated: 2025-03-04. Review status: criteria provided, single submitter. Criteria: ACMG Guidelines, 2015. Collection method: clinical testing. Allele origin: germline.

CeGaT Center for Human Genetics Tuebingen
Classification: Likely benign. Last evaluated: 2025-02-01. Review status: criteria provided, single submitter. Criteria: CeGaT Center For Human Genetics Tuebingen Variant Classification Criteria Version 2. Collection method: clinical testing. Allele origin: germline. Affected: yes. Observed: 2 variant alleles.
Comment: FLCN: BP4, BP7

Myriad Genetics, Inc.
Classification: Benign for Birt-Hogg-Dube syndrome 1. Last evaluated: 2024-10-22. Review status: criteria provided, single submitter. Criteria: Myriad Autosomal Dominant, Autosomal Recessive and X-Linked Classification Criteria (2023). Collection method: clinical testing. Allele origin: unknown.
Comment: This variant is considered benign. This variant is a silent/synonymous amino acid change and it is not expected to impact splicing.

Ambry Genetics
Classification: Likely benign for Hereditary cancer-predisposing syndrome. Last evaluated: 2019-02-01. Review status: criteria provided, single submitter. Criteria: Ambry Variant Classification Scheme 2023. Collection method: clinical testing. Allele origin: germline.

PreventionGenetics, part of Exact Sciences
Classification: Likely benign for FLCN-related condition. Last evaluated: 2022-12-22. Review status: no assertion criteria provided. Collection method: clinical testing. Allele origin: germline. Not counted in ClinVar's aggregate classification.
Comment: This variant is classified as likely benign based on ACMG/AMP sequence variant interpretation guidelines (Richards et al. 2015 PMID: 25741868, with internal and published modifications).

NM_144997.7(FLCN):c.429C>T (p.Phe143=)

Gene: FLCN (folliculin; minus strand). Cytogenetic location: 17p11.2.
Variant type: single nucleotide variant.
Coding change: c.429C>T on transcript NM_144997.7 (MANE Select); coding-DNA position 429, C replaced by T.
Protein change: p.Phe143=; no amino-acid change (phenylalanine 143 retained).
Molecular consequence: synonymous variant.
Genome position (GRCh38, 1-based): chr17:17,224,111, G>A on the plus strand (C>T on the coding strand, the complement: FLCN is on the minus strand). VCF-style: chr17-17224111-G-A. GRCh37 (hg19) VCF-style: chr17-17127425-G-A.
Other names: c.429C>T (LRG_325t1); c.483C>T, p.Phe161= (NM_001353229.2); c.429C>T, p.Phe143= (NM_001353230.2, NM_001353231.2, NM_144606.7).
Identifiers: ClinVar variation 530020 (VCV000530020.47), dbSNP rs773792624, ClinGen allele CA8416400.
Genomic context (GRCh38, chr17:17,224,111, plus strand): 5'-GGCCAGGCTGTCCTTGATGAAGAAGGTGTGGCTGAACACAAAGCCGTGCTGCTCATCTCC[G>A]AAGAAGATGGGGCCTTCACGGCCAGGGCAGACCTGGAGGGACACCGGCGACTCAGACAGC-3'
Protein context (NP_659434.2, residues 133-153): VCPGREGPIF[Phe143=]GDEQHGFVFS